The following is an entry in ClinVar:

ClinVar aggregate classification (germline): Uncertain significance (1 of 4 stars; one submission).

Conditions:
Cortical dysplasia-focal epilepsy syndrome (PTHSL1). Also called: Pitt-Hopkins-like syndrome 1. Identifiers: Orphanet 163681, Orphanet 221150, MedGen C2750246, MONDO:0012400, OMIM 610042.

Allele frequency attached by ClinVar (database versions not stated): gnomAD 0.00002; ExAC 0.00003; TOPMed 0.00004; ESP Exome Variant Server 0.00008.
gnomAD v4.1: 21 of 1,613,920 alleles (0.0013%); highest among the groups gnomAD compares: Middle Eastern, 0.016%; no homozygotes.

Submission:

Labcorp Genetics (formerly Invitae), Labcorp
Classification: Uncertain significance for Cortical dysplasia-focal epilepsy syndrome. Last evaluated: 2022-07-05. Review status: criteria provided, single submitter. Criteria: Invitae Variant Classification Sherloc (09022015). Collection method: clinical testing. Allele origin: germline.
Comment: This sequence change replaces arginine, which is basic and polar, with tryptophan, which is neutral and slightly polar, at codon 900 of the CNTNAP2 protein (p.Arg900Trp). This variant is present in population databases (rs375318010, gnomAD 0.005%). This variant has not been reported in the literature in individuals affected with CNTNAP2-related conditions. ClinVar contains an entry for this variant (Variation ID: 934061). Algorithms developed to predict the effect of missense changes on protein structure and function are either unavailable or do not agree on the potential impact of this missense change (SIFT: "Deleterious"; PolyPhen-2: "Benign"; Align-GVGD: "Class C0"). In summary, the available evidence is currently insufficient to determine the role of this variant in disease. Therefore, it has been classified as a Variant of Uncertain Significance.

NM_014141.6(CNTNAP2):c.2698C>T (p.Arg900Trp)

Gene: CNTNAP2 (contactin associated protein 2; plus strand). Cytogenetic location: 7q35.
Variant type: single nucleotide variant.
Coding change: c.2698C>T on transcript NM_014141.6 (MANE Select); coding-DNA position 2698, C replaced by T.
Protein change: p.Arg900Trp; replaces arginine 900 with tryptophan.
Molecular consequence: missense variant.
Genome position (GRCh38, 1-based): chr7:148,147,634, C>T. VCF-style: chr7-148147634-C-T. GRCh37 (hg19) VCF-style: chr7-147844726-C-T.
Other names: short protein forms R900W.
Identifiers: ClinVar variation 934061 (VCV000934061.5), dbSNP rs375318010, ClinGen allele CA4546456.